The following is an entry in ClinVar:

NM_001033855.3(DCLRE1C):c.781-2A>G

Gene: DCLRE1C (DNA cross-link repair 1C; minus strand). Cytogenetic location: 10p13.
Variant type: single nucleotide variant.
Coding change: c.781-2A>G on transcript NM_001033855.3 (MANE Select); the canonical splice acceptor site of the intron before coding-DNA position 781, A replaced by G.
Molecular consequence: splice acceptor variant.
Genome position (GRCh38, 1-based): chr10:14,928,154, T>C on the plus strand (A>G on the coding strand, the complement: DCLRE1C is on the minus strand). VCF-style: chr10-14928154-T-C. GRCh37 (hg19) VCF-style: chr10-14970153-T-C.
Other names: c.436-2A>G (NM_001350966.2, NM_001289078.2, NM_001289076.2 and 1 more transcripts); c.781-2A>G (NM_001350965.2); c.421-2A>G (NM_001350967.2, NM_001289077.2, NM_001289079.2 and 2 more transcripts).
Identifiers: ClinVar variation 4814557 (VCV004814557.1).

ClinVar aggregate classification (germline): Likely pathogenic (1 of 4 stars; one submission).

Conditions:
Athabaskan severe combined immunodeficiency (SCIDA). Also called: Severe combined immunodeficiency, athabascan-type. Identifiers: MedGen C1865370.

Submission:

Natera, Inc.
Classification: Likely pathogenic for Athabascan severe combined immunodeficiency. Last evaluated: 2025-08-14. Review status: criteria provided, single submitter. Criteria: Natera Variant Classification Schema (03/2026). Collection method: clinical testing. Allele origin: germline.
Comment: The c.781-2A>G variant in DCLRE1C is a canonical splice acceptor site variant predicted to affect pre-mRNA splicing, which may result in an abnormal transcript and altered protein product. This variant is expected to result in nonsense mediated decay, truncation, or a dysfunctional protein product. This variant is rare in the general population with a frequency below the threshold expected for the associated phenotype(s). Given the available evidence, this variant is classified as Likely Pathogenic.